The following is an entry in ClinVar:

NM_001020658.2(PUM1):c.209_211del (p.Gly70del)

Gene: PUM1 (pumilio RNA binding family member 1; minus strand). Cytogenetic location: 1p35.2.
Variant type: Deletion.
Coding change: c.209_211del on transcript NM_001020658.2 (MANE Select); coding-DNA positions 209 to 211, 3 bases deleted (GAG; older notation c.209_211delGAG).
Protein change: p.Gly70del; deletes glycine 70.
Molecular consequence: inframe deletion.
Genome position (GRCh38, 1-based): chr1:31,059,356-31,059,358, CTC deleted on the plus strand (GAG on the coding strand, the reverse complement: PUM1 is on the minus strand); deleting any 3 consecutive bases within chr1:31,059,356-31,059,360 gives the same sequence; the c. name uses the placement nearest the transcript's 3' end. VCF-style (leftmost placement, unchanged base first): chr1-31059355-ACTC-A. GRCh37 (hg19) VCF-style: chr1-31532202-ACTC-A.
Other names: c.209_211del, p.Gly70del (NM_014676.3); short protein forms G70del.
Identifiers: ClinVar variation 1699590 (VCV001699590.2), dbSNP rs769736837, ClinGen allele CA729482.

ClinVar aggregate classification (germline): Uncertain significance (1 of 4 stars; one submission).

Submission:

GeneDx
Classification: Uncertain significance. Last evaluated: 2022-01-28. Review status: criteria provided, single submitter. Criteria: GeneDx Variant Classification Process June 2021. Collection method: clinical testing. Allele origin: germline. Affected: yes.
Comment: In-frame deletion of 1 amino acids in a non-repeat region; In silico analysis supports that this variant does not alter protein structure/function; Has not been previously published as pathogenic or benign to our knowledge